The following is an entry in ClinVar:

NM_172351.3(CD46):c.490C>G (p.Pro164Ala)

Gene: CD46 (CD46 molecule; plus strand). Cytogenetic location: 1q32.2.
Variant type: single nucleotide variant.
Coding change: c.490C>G on transcript NM_172351.3 (MANE Select); coding-DNA position 490, C replaced by G.
Protein change: p.Pro164Ala; replaces proline 164 with alanine.
Molecular consequence: missense variant.
Genome position (GRCh38, 1-based): chr1:207,761,263, C>G. VCF-style: chr1-207761263-C-G. GRCh37 (hg19) VCF-style: chr1-207934608-C-G.
Other names: c.490C>G, p.Pro164Ala (NM_002389.4, NM_153826.4, NM_172350.3 and 8 more transcripts); short protein forms P164A.
Identifiers: ClinVar variation 4291282 (VCV004291282.1).

ClinVar aggregate classification (germline): Uncertain significance (1 of 4 stars; one submission).

Conditions:
Atypical hemolytic-uremic syndrome. Identifiers: Orphanet 2134, MedGen C2931788, MONDO:0016244.

Submission:

Genomenon, Inc
Classification: Uncertain significance for Atypical hemolytic-uremic syndrome. Last evaluated: 2025-10-02. Review status: criteria provided, single submitter. Criteria: Genomenon Sequence Variant Interpretation Standards. Collection method: curation. Allele origin: germline. Affected: no.
Comment: CD46 p.Pro164Ala (c.490C>G) is a missense variant that changes the amino acid at residue 164 from Proline to Alanine. This variant has been reported in the published literature (PMID:10960475). It is absent or not present at a significant frequency in gnomAD. In silico models agree that this variant is not damaging. In conclusion, we classify CD46 p.Pro164Ala (c.490C>G) as a variant of uncertain significance.

Literature cited by the submitters: PubMed 10960475.